The following is an entry in ClinVar:

ClinVar aggregate classification (germline): Likely benign. Review status: criteria provided, multiple submitters, no conflicts (2 of 4 stars). 2 submissions from 2 submitters: Likely benign (2). Last evaluated 2025-12-01.

Conditions:
Proline dehydrogenase deficiency (HYRPRO1). Also called: Hyperprolinemia type 1; PROLINE OXIDASE DEFICIENCY. Identifiers: Orphanet 419, MedGen C0268529, MONDO:0009400, OMIM 239500.

Allele frequency attached by ClinVar (database versions not stated): ESP Exome Variant Server 0.00008.

Submissions (2):

CeGaT Center for Human Genetics Tuebingen
Classification: Likely benign. Last evaluated: 2025-12-01. Review status: criteria provided, single submitter. Criteria: CeGaT Center For Human Genetics Tuebingen Variant Classification Criteria Version 2. Collection method: clinical testing. Allele origin: germline. Affected: yes. Observed: 1 variant allele.
Comment: PRODH: PM2:Supporting, BP4, BP7

Labcorp Genetics (formerly Invitae), Labcorp
Classification: Likely benign for Proline dehydrogenase deficiency. Last evaluated: 2025-10-09. Review status: criteria provided, single submitter. Criteria: Invitae Variant Classification Sherloc (09022015). Collection method: clinical testing. Allele origin: germline.

NM_016335.6(PRODH):c.1005C>T (p.Asn335=)

Gene: PRODH (proline dehydrogenase 1; minus strand). Cytogenetic location: 22q11.21.
Variant type: single nucleotide variant.
Coding change: c.1005C>T on transcript NM_016335.6 (MANE Select); coding-DNA position 1005, C replaced by T.
Protein change: p.Asn335=; no amino-acid change (asparagine 335 retained).
Molecular consequence: synonymous variant.
Genome position (GRCh38, 1-based): chr22:18,921,348, G>A on the plus strand (C>T on the coding strand, the complement: PRODH is on the minus strand). VCF-style: chr22-18921348-G-A. GRCh37 (hg19) VCF-style: chr22-18908861-G-A.
Other names: c.681C>T, p.Asn227= (NM_001195226.2).
Identifiers: ClinVar variation 1109517 (VCV001109517.14), dbSNP rs149926285, ClinGen allele CA321315732.
Genomic context (GRCh38, chr22:18,921,348, plus strand): 5'-TTCTTAGCGCAGCGCCCTGCTGAGCTGGGCCTCACTGAGGAGCGGAGGTGTTACCTGTGC[G>A]TTGGGGACTACCAAGTGCTTGGACAGCTTGGTCCTGCTGTCGATGAGGCTGCTCCAGTCC-3'
Protein context (NP_057419.5, residues 325-345): TKLSKHLVVP[Asn335=]AQTGQLEPLL